The following is an entry in ClinVar:

NM_013382.7(POMT2):c.1253+1G>A

Gene: POMT2 (protein O-mannosyltransferase 2; minus strand). Cytogenetic location: 14q24.3.
Variant type: single nucleotide variant.
Coding change: c.1253+1G>A on transcript NM_013382.7 (MANE Select); the canonical splice donor site of the intron after coding-DNA position 1253, G replaced by A.
Molecular consequence: splice donor variant.
Genome position (GRCh38, 1-based): chr14:77,288,761, C>T on the plus strand (G>A on the coding strand, the complement: POMT2 is on the minus strand). VCF-style: chr14-77288761-C-T. GRCh37 (hg19) VCF-style: chr14-77755104-C-T.
Identifiers: ClinVar variation 1522109 (VCV001522109.8), dbSNP rs1475161693, ClinGen allele CA390518119.

ClinVar aggregate classification (germline): Likely pathogenic (1 of 4 stars; one submission).

Conditions:
Muscular dystrophy-dystroglycanopathy (congenital with impaired intellectual development), type B, 2. Also called: Muscular dystrophy-dystroglycanopathy (congenital with intellectual disability), type B2; MUSCULAR DYSTROPHY, CONGENITAL, POMT2-RELATED. Identifiers: MedGen C3150416, MONDO:0013160, OMIM 613156.
Autosomal recessive limb-girdle muscular dystrophy type 2N. Also called: MUSCULAR DYSTROPHY-DYSTROGLYCANOPATHY, LIMB-GIRDLE, POMT2-RELATED; Muscular dystrophy-dystroglycanopathy (limb-girdle), type C, 2. Identifiers: Orphanet 206559, MedGen C3150418, MONDO:0013162, OMIM 613158.
Muscular dystrophy-dystroglycanopathy (congenital with brain and eye anomalies), type A2. Also called: MUSCULAR DYSTROPHY-DYSTROGLYCANOPATHY (CONGENITAL WITH BRAIN AND EYE ANOMALIES), TYPE A, 2; WALKER-WARBURG SYNDROME OR MUSCLE-EYE-BRAIN DISEASE, POMT2-RELATED. Identifiers: Orphanet 588, Orphanet 899, MedGen C3150411, MONDO:0013154, OMIM 613150.

Allele frequency attached by ClinVar (database versions not stated): gnomAD exomes below 0.00001; gnomAD 0.00001; TOPMed below 0.00001.
gnomAD v4.1: 3 of 1,613,398 alleles (0.00019%); highest among the groups gnomAD compares: Non-Finnish European, 0.00025%; no homozygotes.

Submission:

Labcorp Genetics (formerly Invitae), Labcorp
Classification: Likely pathogenic for Muscular dystrophy-dystroglycanopathy (congenital with impaired intellectual development), type B, 2; Muscular dystrophy-dystroglycanopathy (congenital with brain and eye anomalies), type A2; Autosomal recessive limb-girdle muscular dystrophy type 2N. Last evaluated: 2025-12-19. Review status: criteria provided, single submitter. Criteria: Invitae Variant Classification Sherloc (09022015). Collection method: clinical testing. Allele origin: germline.
Comment: This sequence change affects a donor splice site in intron 11 of the POMT2 gene. It is expected to disrupt RNA splicing. Variants that disrupt the donor or acceptor splice site typically lead to a loss of protein function (PMID: 16199547), and loss-of-function variants in POMT2 are known to be pathogenic (PMID: 15894594). This variant is not present in population databases (gnomAD no frequency). This variant has not been reported in the literature in individuals affected with POMT2-related conditions. ClinVar contains an entry for this variant (Variation ID: 1522109). Algorithms developed to predict the effect of sequence changes on RNA splicing suggest that this variant may disrupt the consensus splice site. In summary, the currently available evidence indicates that the variant is pathogenic, but additional data are needed to prove that conclusively. Therefore, this variant has been classified as Likely Pathogenic.

Literature cited by the submitters: PubMed 16199547; PubMed 15894594.